The following is an entry in ClinVar:

ClinVar aggregate classification (germline): Uncertain significance (1 of 4 stars; one submission).

Conditions:
Hereditary cancer-predisposing syndrome. Also called: Neoplastic Syndromes, Hereditary; Tumor predisposition; Hereditary Cancer Syndrome; Hereditary neoplastic syndrome. Identifiers: Orphanet 140162, MedGen C0027672, MeSH D009386, MONDO:0015356.

Submission:

Ambry Genetics
Classification: Uncertain significance for Hereditary cancer-predisposing syndrome. Last evaluated: 2025-08-20. Review status: criteria provided, single submitter. Criteria: Ambry Variant Classification Scheme 2023. Collection method: clinical testing. Allele origin: germline.
Comment: The p.V409I variant (also known as c.1225G>A), located in coding exon 10 of the SUFU gene, results from a G to A substitution at nucleotide position 1225. The valine at codon 409 is replaced by isoleucine, an amino acid with highly similar properties. This amino acid position is conserved. In addition, the in silico prediction for this alteration is inconclusive. Based on the available evidence, the clinical significance of this variant remains unclear.

NM_016169.4(SUFU):c.1225G>A (p.Val409Ile)

Gene: SUFU (SUFU negative regulator of hedgehog signaling; plus strand). Cytogenetic location: 10q24.32.
Variant type: single nucleotide variant.
Coding change: c.1225G>A on transcript NM_016169.4 (MANE Select); coding-DNA position 1225, G replaced by A.
Protein change: p.Val409Ile; replaces valine 409 with isoleucine.
Molecular consequence: missense variant.
Genome position (GRCh38, 1-based): chr10:102,617,357, G>A. VCF-style: chr10-102617357-G-A. GRCh37 (hg19) VCF-style: chr10-104377114-G-A.
Other names: c.1225G>A, p.Val409Ile (NM_001178133.2); short protein forms V409I.
Identifiers: ClinVar variation 4177553 (VCV004177553.1).